The following is an entry in ClinVar:

ClinVar aggregate classification (germline): Uncertain significance (1 of 4 stars; one submission).

Conditions:
Pierpont syndrome (PRPTS). Identifiers: Orphanet 487825, MedGen C1865644, MONDO:0011213, OMIM 602342.

gnomAD v4.1: 1 of 1,613,486 alleles (0.000062%); highest among the groups gnomAD compares: South Asian, 0.0011%; no homozygotes.

Submission:

Labcorp Genetics (formerly Invitae), Labcorp
Classification: Uncertain significance for Pierpont syndrome. Last evaluated: 2025-07-30. Review status: criteria provided, single submitter. Criteria: Invitae Variant Classification Sherloc (09022015). Collection method: clinical testing. Allele origin: germline.
Comment: This sequence change replaces glycine, which is neutral and non-polar, with arginine, which is basic and polar, at codon 122 of the TBL1XR1 protein (p.Gly122Arg). This variant is present in population databases (no rsID available, gnomAD 0.003%). This variant has not been reported in the literature in individuals affected with TBL1XR1-related conditions. Invitae Evidence Modeling of protein sequence and biophysical properties (such as structural, functional, and spatial information, amino acid conservation, physicochemical variation, residue mobility, and thermodynamic stability) indicates that this missense variant is not expected to disrupt TBL1XR1 protein function with a negative predictive value of 95%. In summary, the available evidence is currently insufficient to determine the role of this variant in disease. Therefore, it has been classified as a Variant of Uncertain Significance.

NM_024665.7(TBL1XR1):c.364G>A (p.Gly122Arg)

Gene: TBL1XR1 (TBL1X/Y related 1; minus strand). Cytogenetic location: 3q26.32.
Variant type: single nucleotide variant.
Coding change: c.364G>A on transcript NM_024665.7 (MANE Select); coding-DNA position 364, G replaced by A.
Protein change: p.Gly122Arg; replaces glycine 122 with arginine.
Molecular consequence: missense variant.
Genome position (GRCh38, 1-based): chr3:177,051,567, C>T on the plus strand (G>A on the coding strand, the complement: TBL1XR1 is on the minus strand). VCF-style: chr3-177051567-C-T. GRCh37 (hg19) VCF-style: chr3-176769355-C-T.
Other names: c.364G>A, p.Gly122Arg (NM_001321193.3, NM_001321194.3, NM_001374327.1 and 2 more transcripts); c.103G>A, p.Gly35Arg (NM_001321195.3, NM_001374330.1); short protein forms G122R, G35R.
Identifiers: ClinVar variation 4801769 (VCV004801769.1).